The following is an entry in ClinVar:

NM_001025356.3(ANO6):c.889A>G (p.Ile297Val)

Gene: ANO6 (anoctamin 6; plus strand). Cytogenetic location: 12q12.
Variant type: single nucleotide variant.
Coding change: c.889A>G on transcript NM_001025356.3 (MANE Select); coding-DNA position 889, A replaced by G.
Protein change: p.Ile297Val; replaces isoleucine 297 with valine.
Molecular consequence: missense variant.
Genome position (GRCh38, 1-based): chr12:45,357,315, A>G. VCF-style: chr12-45357315-A-G. GRCh37 (hg19) VCF-style: chr12-45751098-A-G.
Other names: p.Ile297Val; c.835A>G, p.Ile279Val (NM_001142678.2); c.889A>G, p.Ile297Val (NM_001142679.2); c.952A>G, p.Ile318Val (NM_001204803.2); c.856A>G, p.Ile286Val (NM_001410973.1); short protein forms I318V, I279V, I297V, I286V.
Identifiers: ClinVar variation 2367642 (VCV002367642.4), dbSNP rs763615507, ClinGen allele CA6525132.
Genomic context (GRCh38, chr12:45,357,315, plus strand): 5'-TGCATCTTCTAAAAATAATTTCTGTCTTTCTTCAGGAAATACTATGGAGAGAAGATTGGA[A>G]TCTACTTTGCTTGGCTGGGCTATTACACTCAGATGCTTCTCCTGGCCGCAGTTGTAGGAG-3'
Protein context (NP_001020527.2, residues 287-307): IRKYYGEKIG[Ile297Val]YFAWLGYYTQ

ClinVar aggregate classification (germline): Uncertain significance. Review status: criteria provided, multiple submitters, no conflicts (2 of 4 stars). 3 submissions from 3 submitters: Uncertain significance (3). Last evaluated 2024-08-27.

Conditions:
Inborn genetic diseases. Identifiers: MedGen C0950123, MeSH D030342.

Allele frequency attached by ClinVar (database versions not stated): ExAC 0.00002; gnomAD 0.00005; TOPMed 0.00006; gnomAD exomes 0.00018.
gnomAD v4.1: 274 of 1,613,820 alleles (0.017%); highest among the groups gnomAD compares: Non-Finnish European, 0.022%; no homozygotes.

Submissions (3):

Labcorp Genetics (formerly Invitae), Labcorp
Classification: Uncertain significance. Last evaluated: 2024-08-27. Review status: criteria provided, single submitter. Criteria: Invitae Variant Classification Sherloc (09022015). Collection method: clinical testing. Allele origin: germline.
Comment: This sequence change replaces isoleucine, which is neutral and non-polar, with valine, which is neutral and non-polar, at codon 297 of the ANO6 protein (p.Ile297Val). This variant is present in population databases (rs763615507, gnomAD 0.009%). This variant has not been reported in the literature in individuals affected with ANO6-related conditions. ClinVar contains an entry for this variant (Variation ID: 2367642). Invitae Evidence Modeling of protein sequence and biophysical properties (such as structural, functional, and spatial information, amino acid conservation, physicochemical variation, residue mobility, and thermodynamic stability) indicates that this missense variant is not expected to disrupt ANO6 protein function with a negative predictive value of 80%. In summary, the available evidence is currently insufficient to determine the role of this variant in disease. Therefore, it has been classified as a Variant of Uncertain Significance.

Mayo Clinic Laboratories, Mayo Clinic
Classification: Uncertain significance. Last evaluated: 2024-05-07. Review status: criteria provided, single submitter. Criteria: ACMG Guidelines, 2015. Collection method: clinical testing. Allele origin: germline. Observed: 1 variant allele.
Comment: PM1_supporting, PM2_moderate

Ambry Genetics
Classification: Uncertain significance for Inborn genetic diseases. Last evaluated: 2022-02-10. Review status: criteria provided, single submitter. Criteria: Ambry Variant Classification Scheme 2023. Collection method: clinical testing. Allele origin: germline.